The following is an entry in ClinVar:

NM_001184880.2(PCDH19):c.1500dup (p.Pro501fs)

Gene: PCDH19 (protocadherin 19; minus strand). Cytogenetic location: Xq22.1.
Variant type: Duplication.
Coding change: c.1500dup on transcript NM_001184880.2 (MANE Select); coding-DNA position 1500, one base duplicated (G; older notation c.1500dupG).
Protein change: p.Pro501fs; shifts the reading frame from proline 501.
Molecular consequence: frameshift variant.
Genome position (GRCh38, 1-based): chrX:100,407,098, C duplicated on the plus strand (G on the coding strand, the reverse complement: PCDH19 is on the minus strand). VCF-style (leftmost placement, unchanged base first): chrX-100407097-G-GC. GRCh37 (hg19) VCF-style: chrX-99662095-G-GC.
Other names: c.1500dup, p.Pro501fs (NM_001105243.2, NM_020766.3); short protein forms P501fs.
Identifiers: ClinVar variation 1454690 (VCV001454690.6), dbSNP rs2147538605, ClinGen allele CA2573159037.

ClinVar aggregate classification (germline): Pathogenic (1 of 4 stars; one submission).

Conditions:
Developmental and epileptic encephalopathy, 9 (DEE9). Also called: Early infantile epileptic encephalopathy 9; EPILEPSY, FEMALE-RESTRICTED, WITH MENTAL RETARDATION; PCDH19-Related X-Linked Female-Limited Epilepsy with Mental Retardation; JUBERG-HELLMAN SYNDROME. Identifiers: Orphanet 101039, Orphanet 2076, MedGen C1848137, MONDO:0010246, OMIM 300088. Disease mechanism: loss of function.

Submission:

Labcorp Genetics (formerly Invitae), Labcorp
Classification: Pathogenic for Developmental and epileptic encephalopathy, 9. Last evaluated: 2021-06-01. Review status: criteria provided, single submitter. Criteria: Invitae Variant Classification Sherloc (09022015). Collection method: clinical testing. Allele origin: germline.
Comment: This variant is not present in population databases (ExAC no frequency). For these reasons, this variant has been classified as Pathogenic. This variant has not been reported in the literature in individuals with PCDH19-related conditions. This sequence change creates a premature translational stop signal (p.Pro501Alafs*22) in the PCDH19 gene. It is expected to result in an absent or disrupted protein product. Loss-of-function variants in PCDH19 are known to be pathogenic (PMID: 21053371).

Literature cited by the submitters: PubMed 21053371.